The following is an entry in ClinVar:

NM_001379291.1(BRD4):c.2337G>A (p.Pro779=)

Gene: BRD4 (bromodomain containing 4; minus strand). Cytogenetic location: 19p13.12.
Variant type: single nucleotide variant.
Coding change: c.2337G>A on transcript NM_001379291.1 (MANE Select); coding-DNA position 2337, G replaced by A.
Protein change: p.Pro779=; no amino-acid change (proline 779 retained).
Molecular consequence: synonymous variant.
Genome position (GRCh38, 1-based): chr19:15,244,475, C>T on the plus strand (G>A on the coding strand, the complement: BRD4 is on the minus strand). VCF-style: chr19-15244475-C-T. GRCh37 (hg19) VCF-style: chr19-15355286-C-T.
Other names: c.2337G>A, p.Pro779= (NM_058243.3).
Identifiers: ClinVar variation 3026151 (VCV003026151.22), dbSNP rs199759820, ClinGen allele CA506080491.
Genomic context (GRCh38, chr19:15,244,475, plus strand): 5'-GGGTGGGGGCGAGGACTTCATCGCCGGGGCTGCCTGCTGCGGCATGGAGGGTGGGGGAGG[C>T]GGGGGTGGCGGCTGCTGTTGCTGCTGCGGAGGTGGAGGCGGTGGGGGCTGCTGGGGAGGC-3'
Protein context (NP_001366220.1, residues 769-789): PPQQQQQPPP[Pro779=]PPPPSMPQQA

ClinVar aggregate classification (germline): Likely benign (1 of 4 stars; one submission).

gnomAD v4.1: 8 of 136,476 alleles (0.0059%); highest among the groups gnomAD compares: East Asian, 0.057%; no homozygotes.

Submission:

CeGaT Center for Human Genetics Tuebingen
Classification: Likely benign. Last evaluated: 2023-12-01. Review status: criteria provided, single submitter. Criteria: CeGaT Center For Human Genetics Tuebingen Variant Classification Criteria Version 2. Collection method: clinical testing. Allele origin: germline. Affected: yes. Observed: 1 variant allele.
Comment: BRD4: BP4, BP7